The following is an entry in ClinVar:

NM_000135.4(FANCA):c.1796C>A (p.Ser599Tyr)

Gene: FANCA (FA complementation group A; minus strand). Cytogenetic location: 16q24.3.
Variant type: single nucleotide variant.
Coding change: c.1796C>A on transcript NM_000135.4 (MANE Select); coding-DNA position 1796, C replaced by A.
Protein change: p.Ser599Tyr; replaces serine 599 with tyrosine.
Molecular consequence: missense variant.
Genome position (GRCh38, 1-based): chr16:89,778,831, G>T on the plus strand (C>A on the coding strand, the complement: FANCA is on the minus strand). VCF-style: chr16-89778831-G-T. GRCh37 (hg19) VCF-style: chr16-89845239-G-T.
Other names: c.1796C>A, p.Ser599Tyr (NM_001286167.3); short protein forms S599Y.
Identifiers: ClinVar variation 4254151 (VCV004254151.1).

ClinVar aggregate classification (germline): Uncertain significance (1 of 4 stars; one submission).

Conditions:
Inborn genetic diseases. Identifiers: MedGen C0950123, MeSH D030342.

Submission:

Ambry Genetics
Classification: Uncertain significance for Inborn genetic diseases. Last evaluated: 2025-06-25. Review status: criteria provided, single submitter. Criteria: Ambry Variant Classification Scheme 2023. Collection method: clinical testing. Allele origin: germline.
Comment: The p.S599Y variant (also known as c.1796C>A), located in coding exon 20 of the FANCA gene, results from a C to A substitution at nucleotide position 1796. The serine at codon 599 is replaced by tyrosine, an amino acid with dissimilar properties. This amino acid position is conserved. In addition, this alteration is predicted to be tolerated by in silico analysis. Based on the available evidence, the clinical significance of this variant remains unclear.